The following is an entry in ClinVar:

NM_015272.5(RPGRIP1L):c.1810G>A (p.Glu604Lys)

Gene: RPGRIP1L (RPGRIP1 like; minus strand). Cytogenetic location: 16q12.2.
Variant type: single nucleotide variant.
Coding change: c.1810G>A on transcript NM_015272.5 (MANE Select); coding-DNA position 1810, G replaced by A.
Protein change: p.Glu604Lys; replaces glutamic acid 604 with lysine.
Molecular consequence: missense variant.
Genome position (GRCh38, 1-based): chr16:53,652,877, C>T on the plus strand (G>A on the coding strand, the complement: RPGRIP1L is on the minus strand). VCF-style: chr16-53652877-C-T. GRCh37 (hg19) VCF-style: chr16-53686789-C-T.
Other names: p.Glu604Lys; c.1810G>A, p.Glu604Lys (NM_001127897.4, NM_001308334.3, NM_001330538.2); c.1810G>A (NM_015272.4); short protein forms E604K.
Identifiers: ClinVar variation 289611 (VCV000289611.27), dbSNP rs143863631, ClinGen allele CA8057696.

ClinVar aggregate classification (germline): Conflicting classifications of pathogenicity. Review status: criteria provided, conflicting classifications (1 of 4 stars). 12 submissions from 10 submitters: Uncertain significance (6); Likely benign (5). 1 of the submissions does not count toward it. Last evaluated 2026-01-24.

Conditions:
Meckel syndrome, type 5 (MKS5). Identifiers: Orphanet 564, MedGen C1969052, MONDO:0012695, OMIM 611561.
RPGRIP1L-related disorder. Also called: RPGRIP1L-related condition; RPGRIP1L-related disorders. Identifiers: MedGen CN239416.
Joubert syndrome 7 (JBTS7). Identifiers: Orphanet 220497, MedGen C1969053, MONDO:0012694, OMIM 611560.
COACH syndrome 1. Identifiers: Orphanet 1454, MedGen C5435651, MONDO:0800103, OMIM 216360, MONDO:0008996.
Nephronophthisis 8. Identifiers: MedGen CN119610.
Joubert syndrome. Also called: JOUBERT-BOLTSHAUSER SYNDROME; Familial aplasia of the vermis. Identifiers: Orphanet 475, MedGen C5979921, MONDO:0018772.
Inborn genetic diseases. Identifiers: MedGen C0950123, MeSH D030342.
Meckel-Gruber syndrome. Also called: DYSENCEPHALIA SPLANCHNOCYSTICA; GRUBER SYNDROME; Dysencephalia splachnocystica. Identifiers: Orphanet 564, MedGen C0265215, MONDO:0018921.

Allele frequency attached by ClinVar (database versions not stated): ESP Exome Variant Server 0.00023; TOPMed 0.00029; gnomAD 0.00033 and 0.00041; ExAC 0.00034; gnomAD exomes 0.00040 and 0.00056; 1000 Genomes Project 0.00080; 1000 Genomes Project 30x 0.00094.
gnomAD v4.1: 883 of 1,612,524 alleles (0.055%); highest among the groups gnomAD compares: East Asian, 1.1%; 7 homozygotes.

Submissions (12):

Labcorp Genetics (formerly Invitae), Labcorp
Classification: Likely benign for Joubert syndrome; Meckel-Gruber syndrome. Last evaluated: 2026-01-24. Review status: criteria provided, single submitter. Criteria: Invitae Variant Classification Sherloc (09022015). Collection method: clinical testing. Allele origin: germline.

PreventionGenetics, part of Exact Sciences
Classification: Likely benign for RPGRIP1L-related condition. Last evaluated: 2025-08-07. Review status: criteria provided, single submitter. Criteria: ACMG Guidelines, 2015. Collection method: clinical testing. Allele origin: germline.
Comment: This variant is classified as likely benign based on ACMG/AMP sequence variant interpretation guidelines (Richards et al. 2015 PMID: 25741868, with internal and published modifications).

Mayo Clinic Laboratories, Mayo Clinic
Classification: Likely benign. Last evaluated: 2025-06-04. Review status: criteria provided, single submitter. Criteria: ACMG Guidelines, 2015. Collection method: clinical testing. Allele origin: germline. Observed: 1 variant allele.
Comment: BS1, BS2

GeneDx
Classification: Uncertain significance. Last evaluated: 2025-04-10. Review status: criteria provided, single submitter. Criteria: GeneDx Variant Classification Process June 2021. Collection method: clinical testing. Allele origin: germline. Affected: yes.
Comment: In silico analysis supports that this missense variant has a deleterious effect on protein structure/function; This variant is associated with the following publications: (PMID: 29991045)

Blueprint Genetics
Classification: Likely benign. Last evaluated: 2024-09-11. Review status: criteria provided, single submitter. Criteria: ACMG Guidelines, 2015. Collection method: clinical testing. Allele origin: germline.

Ambry Genetics
Classification: Likely benign for Inborn genetic diseases. Last evaluated: 2022-12-21. Review status: criteria provided, single submitter. Criteria: Ambry Variant Classification Scheme 2023. Collection method: clinical testing. Allele origin: germline.

Fulgent Genetics
Classification: Uncertain significance for COACH syndrome 1; Joubert syndrome 7; Meckel syndrome, type 5. Last evaluated: 2018-10-31. Review status: criteria provided, single submitter. Criteria: ACMG Guidelines, 2015. Collection method: clinical testing. Allele origin: unknown.

Illumina Laboratory Services, Illumina
Classification: Uncertain significance for Meckel syndrome, type 5. Last evaluated: 2018-01-13. Review status: criteria provided, single submitter. Criteria: ICSL Variant Classification Criteria 13 December 2019. Collection method: clinical testing. Allele origin: germline.

Illumina Laboratory Services, Illumina
Classification: Uncertain significance for Nephronophthisis 8. Last evaluated: 2018-01-13. Review status: criteria provided, single submitter. Criteria: ICSL Variant Classification Criteria 13 December 2019. Collection method: clinical testing. Allele origin: germline.

Illumina Laboratory Services, Illumina
Classification: Uncertain significance for Joubert syndrome 7. Last evaluated: 2018-01-13. Review status: criteria provided, single submitter. Criteria: ICSL Variant Classification Criteria 13 December 2019. Collection method: clinical testing. Allele origin: germline.

Eurofins Ntd Llc (ga)
Classification: Uncertain significance. Last evaluated: 2016-08-18. Review status: criteria provided, single submitter. Criteria: EGL Classification Definitions 2015. Collection method: clinical testing. Allele origin: germline. Observed: 1 variant allele, 1 heterozygote.

Natera, Inc.
Classification: Uncertain significance for Joubert syndrome. Last evaluated: 2020-07-24. Review status: no assertion criteria provided. Collection method: clinical testing. Allele origin: germline. Not counted in ClinVar's aggregate classification.

Literature cited by the submitters: PubMed 29991045 (cited by Mayo Clinic Laboratories, Mayo Clinic).